The following is an entry in ClinVar:

ClinVar aggregate classification (germline): Uncertain significance (1 of 4 stars; one submission).

Submission:

Labcorp Genetics (formerly Invitae), Labcorp
Classification: Uncertain significance. Last evaluated: 2024-02-28. Review status: criteria provided, single submitter. Criteria: Invitae Variant Classification Sherloc (09022015). Collection method: clinical testing. Allele origin: germline.
Comment: This sequence change replaces glutamic acid, which is acidic and polar, with lysine, which is basic and polar, at codon 2497 of the MYO18B protein (p.Glu2497Lys). This variant is not present in population databases (gnomAD no frequency). This variant has not been reported in the literature in individuals affected with MYO18B-related conditions. An algorithm developed to predict the effect of missense changes on protein structure and function (PolyPhen-2) suggests that this variant is likely to be disruptive. In summary, the available evidence is currently insufficient to determine the role of this variant in disease. Therefore, it has been classified as a Variant of Uncertain Significance.

NM_032608.7(MYO18B):c.7489G>A (p.Glu2497Lys)

Gene: MYO18B (myosin XVIIIB; plus strand). Cytogenetic location: 22q12.1.
Variant type: single nucleotide variant.
Coding change: c.7489G>A on transcript NM_032608.7 (MANE Select); coding-DNA position 7489, G replaced by A.
Protein change: p.Glu2497Lys; replaces glutamic acid 2497 with lysine.
Molecular consequence: missense variant.
Genome position (GRCh38, 1-based): chr22:26,027,463, G>A. VCF-style: chr22-26027463-G-A. GRCh37 (hg19) VCF-style: chr22-26423429-G-A.
Other names: c.7492G>A, p.Glu2498Lys (NM_001318245.2); short protein forms E2497K, E2498K.
Identifiers: ClinVar variation 3642609 (VCV003642609.2).